The following is an entry in ClinVar:

NM_005334.3(HCFC1):c.4727C>A (p.Pro1576Gln)

Gene: HCFC1 (host cell factor C1; minus strand). Cytogenetic location: Xq28.
Variant type: single nucleotide variant.
Coding change: c.4727C>A on transcript NM_005334.3 (MANE Select); coding-DNA position 4727, C replaced by A.
Protein change: p.Pro1576Gln; replaces proline 1576 with glutamine.
Molecular consequence: missense variant.
Genome position (GRCh38, 1-based): chrX:153,952,729, G>T on the plus strand (C>A on the coding strand, the complement: HCFC1 is on the minus strand). VCF-style: chrX-153952729-G-T. GRCh37 (hg19) VCF-style: chrX-153218180-G-T.
Other names: c.4859C>A, p.Pro1620Gln (NM_001410705.1); short protein forms P1576Q, P1620Q.
Identifiers: ClinVar variation 2432375 (VCV002432375.6), dbSNP rs2148563453, ClinGen allele CA415112276.

ClinVar aggregate classification (germline): Uncertain significance. Review status: criteria provided, multiple submitters, no conflicts (2 of 4 stars). 2 submissions from 2 submitters: Uncertain significance (2). Last evaluated 2024-02-05.

Conditions:
Methylmalonic acidemia with homocystinuria, type cblX (MAHCX). Also called: INTELLECTUAL DEVELOPMENTAL DISORDER, X-LINKED 3. Identifiers: Orphanet 369962, MedGen C0796208, MONDO:0010657, OMIM 309541.

Allele frequency attached by ClinVar (database versions not stated): gnomAD exomes below 0.00001.
gnomAD v4.1: 3 of 1,209,043 alleles (0.00025%); highest among the groups gnomAD compares: South Asian, 0.0035%; no homozygotes.

Submissions (2):

Labcorp Genetics (formerly Invitae), Labcorp
Classification: Uncertain significance for Methylmalonic acidemia with homocystinuria, type cblX. Last evaluated: 2024-02-05. Review status: criteria provided, single submitter. Criteria: Invitae Variant Classification Sherloc (09022015). Collection method: clinical testing. Allele origin: germline.
Comment: This sequence change replaces proline, which is neutral and non-polar, with glutamine, which is neutral and polar, at codon 1576 of the HCFC1 protein (p.Pro1576Gln). This variant is not present in population databases (gnomAD no frequency). This variant has not been reported in the literature in individuals affected with HCFC1-related conditions. ClinVar contains an entry for this variant (Variation ID: 2432375). Algorithms developed to predict the effect of missense changes on protein structure and function output the following: SIFT: "Not Available"; PolyPhen-2: "Benign"; Align-GVGD: "Not Available". The glutamine amino acid residue is found in multiple mammalian species, which suggests that this missense change does not adversely affect protein function. In summary, the available evidence is currently insufficient to determine the role of this variant in disease. Therefore, it has been classified as a Variant of Uncertain Significance.

Revvity Omics, Revvity
Classification: Uncertain significance for Methylmalonic acidemia with homocystinuria, type cblX. Last evaluated: 2019-10-10. Review status: criteria provided, single submitter. Criteria: ACMG Guidelines, 2015. Collection method: clinical testing. Allele origin: germline.